The following is an entry in ClinVar:

ClinVar aggregate classification (germline): Uncertain significance. Review status: criteria provided, multiple submitters, no conflicts (2 of 4 stars). 4 submissions from 4 submitters: Uncertain significance (4). Last evaluated 2023-12-05.

Conditions:
Hereditary cancer-predisposing syndrome. Also called: Hereditary neoplastic syndrome; Neoplastic Syndromes, Hereditary; Hereditary Cancer Syndrome; Tumor predisposition. Identifiers: Orphanet 140162, MedGen C0027672, MeSH D009386, MONDO:0015356.
Ataxia-telangiectasia syndrome (AT). Also called: AT, COMPLEMENTATION GROUP C; Cerebello-oculocutaneous telangiectasia; Immunodeficiency with ataxia telangiectasia; Ataxia-telangiectasia, complementation group D; ATAXIA-TELANGIECTASIA, FRESNO VARIANT; Ataxia-telangiectasia, complementation group E. Identifiers: Orphanet 100, MedGen C0004135, MONDO:0008840, OMIM 208900.

Submissions (4):

Color Diagnostics, LLC DBA Color Health
Classification: Uncertain significance for Hereditary cancer-predisposing syndrome. Last evaluated: 2023-12-05. Review status: criteria provided, single submitter. Criteria: ACMG Guidelines, 2015. Collection method: clinical testing. Allele origin: germline.
Comment: This missense variant replaces serine with threonine at codon 575 of the ATM protein. Computational prediction suggests that this variant may not impact protein structure and function (internally defined REVEL score threshold <= 0.5, PMID: 27666373). To our knowledge, functional studies have not been reported for this variant. This variant has not been reported in individuals affected with ATM-related disorders in the literature. This variant has not been identified in the general population by the Genome Aggregation Database (gnomAD). The available evidence is insufficient to determine the role of this variant in disease conclusively. Therefore, this variant is classified as a Variant of Uncertain Significance.

Ambry Genetics
Classification: Uncertain significance for Hereditary cancer-predisposing syndrome. Last evaluated: 2022-08-10. Review status: criteria provided, single submitter. Criteria: Ambry Variant Classification Scheme 2023. Collection method: clinical testing. Allele origin: germline.
Comment: The p.S575T variant (also known as c.1723T>A), located in coding exon 10 of the ATM gene, results from a T to A substitution at nucleotide position 1723. The serine at codon 575 is replaced by threonine, an amino acid with similar properties. This amino acid position is poorly conserved in available vertebrate species. In addition, this alteration is predicted to be tolerated by in silico analysis. Since supporting evidence is limited at this time, the clinical significance of this alteration remains unclear.

Labcorp Genetics (formerly Invitae), Labcorp
Classification: Uncertain significance for Ataxia-telangiectasia syndrome. Last evaluated: 2022-04-16. Review status: criteria provided, single submitter. Criteria: Invitae Variant Classification Sherloc (09022015). Collection method: clinical testing. Allele origin: germline.
Comment: In summary, the available evidence is currently insufficient to determine the role of this variant in disease. Therefore, it has been classified as a Variant of Uncertain Significance. ClinVar contains an entry for this variant (Variation ID: 574356). This variant has not been reported in the literature in individuals affected with ATM-related conditions. Advanced modeling of protein sequence and biophysical properties (such as structural, functional, and spatial information, amino acid conservation, physicochemical variation, residue mobility, and thermodynamic stability) performed at Invitae indicates that this missense variant is not expected to disrupt ATM protein function. This sequence change replaces serine, which is neutral and polar, with threonine, which is neutral and polar, at codon 575 of the ATM protein (p.Ser575Thr). This variant is not present in population databases (gnomAD no frequency).

Women's Health and Genetics/Laboratory Corporation of America, LabCorp
Classification: Uncertain significance. Last evaluated: 2019-04-22. Review status: criteria provided, single submitter. Criteria: LabCorp Variant Classification Summary - May 2015. Collection method: clinical testing. Allele origin: germline.
Comment: Variant summary: ATM c.1723T>A (p.Ser575Thr) results in a conservative amino acid change in the encoded protein sequence. Five of five in-silico tools predict a benign effect of the variant on protein function. The variant was absent in 251166 control chromosomes. The available data on variant occurrences in the general population are insufficient to allow any conclusion about variant significance. To our knowledge, no occurrence of c.1723T>A in individuals affected with Ataxia-Telangiectasia and no experimental evidence demonstrating its impact on protein function have been reported. One clinical diagnostic laboratory has submitted clinical-significance assessments for this variant to ClinVar after 2014 without evidence for independent evaluation. One laboratory classified the variant as uncertain significance. Based on the evidence outlined above, the variant was classified as uncertain significance.

NM_000051.4(ATM):c.1723T>A (p.Ser575Thr)

Gene: ATM (ATM serine/threonine kinase; plus strand). Cytogenetic location: 11q22.3.
Variant type: single nucleotide variant.
Coding change: c.1723T>A on transcript NM_000051.4 (MANE Select); coding-DNA position 1723, T replaced by A.
Protein change: p.Ser575Thr; replaces serine 575 with threonine.
Molecular consequence: missense variant.
Genome position (GRCh38, 1-based): chr11:108,251,952, T>A. VCF-style: chr11-108251952-T-A. GRCh37 (hg19) VCF-style: chr11-108122679-T-A.
Other names: c.1723T>A, p.Ser575Thr (NM_001351834.2); short protein forms S575T.
Identifiers: ClinVar variation 574356 (VCV000574356.14), dbSNP rs1565385720, ClinGen allele CA382535288.
Genomic context (GRCh38, chr11:108,251,952, plus strand): 5'-GTAAAAATGGGAATAGAGCAAAATATGTGTGAAGTAAATAGAAGCTTTTCTTTAAAGGAA[T>A]CAATAATGAAATGGCTCTTATTCTATCAGTTAGAGGGTGACTTAGAAAATAGCACAGAAG-3'
Protein context (NP_000042.3, residues 565-585): EVNRSFSLKE[Ser575Thr]IMKWLLFYQL